The following is an entry in ClinVar:

ClinVar aggregate classification (germline): Uncertain significance. Review status: criteria provided, multiple submitters, no conflicts (2 of 4 stars). 3 submissions from 3 submitters: Uncertain significance (3). Last evaluated 2025-08-20.

Conditions:
Dilated cardiomyopathy 1AA (CMD1AA). Also called: CARDIOMYOPATHY, DILATED, 1AA, WITH OR WITHOUT LEFT VENTRICULAR NONCOMPACTION; CARDIOMYOPATHY, FAMILIAL HYPERTROPHIC, 23, WITH OR WITHOUT LEFT VENTRICULAR NONCOMPACTION; Cardiomyopathy, dilated, 1AA, with or without LVNC. Identifiers: Orphanet 154, MedGen C2677338, MONDO:0012808, OMIM 612158.
Primary familial hypertrophic cardiomyopathy (HCM). Identifiers: Orphanet 99739, MedGen C0949658, MeSH D024741, MONDO:0024573. Inheritance: Various modes of inheritance.
Cardiovascular phenotype. Identifiers: MedGen CN230736.

Allele frequency attached by ClinVar (database versions not stated): TOPMed 0.00002.
gnomAD v4.1: 11 of 1,614,002 alleles (0.00068%); highest among the groups gnomAD compares: Non-Finnish European, 0.00085%; no homozygotes.

Submissions (3):

Ambry Genetics
Classification: Uncertain significance for Cardiovascular phenotype. Last evaluated: 2025-08-20. Review status: criteria provided, single submitter. Criteria: Ambry Variant Classification Scheme 2023. Collection method: clinical testing. Allele origin: germline.
Comment: The p.L186V variant (also known as c.556C>G), located in coding exon 6 of the ACTN2 gene, results from a C to G substitution at nucleotide position 556. The leucine at codon 186 is replaced by valine, an amino acid with highly similar properties. This amino acid position is conserved. In addition, the in silico prediction for this alteration is inconclusive. Since supporting evidence is limited at this time, the clinical significance of this alteration remains unclear.

Labcorp Genetics (formerly Invitae), Labcorp
Classification: Uncertain significance for Primary familial hypertrophic cardiomyopathy; Dilated cardiomyopathy 1AA. Last evaluated: 2024-11-10. Review status: criteria provided, single submitter. Criteria: Invitae Variant Classification Sherloc (09022015). Collection method: clinical testing. Allele origin: germline.
Comment: This sequence change replaces leucine, which is neutral and non-polar, with valine, which is neutral and non-polar, at codon 186 of the ACTN2 protein (p.Leu186Val). This variant is present in population databases (rs371930065, gnomAD 0.002%). This variant has not been reported in the literature in individuals affected with ACTN2-related conditions. ClinVar contains an entry for this variant (Variation ID: 463212). Invitae Evidence Modeling of protein sequence and biophysical properties (such as structural, functional, and spatial information, amino acid conservation, physicochemical variation, residue mobility, and thermodynamic stability) indicates that this missense variant is expected to disrupt ACTN2 protein function with a positive predictive value of 80%. In summary, the available evidence is currently insufficient to determine the role of this variant in disease. Therefore, it has been classified as a Variant of Uncertain Significance.

Blueprint Genetics
Classification: Uncertain significance. Last evaluated: 2024-06-03. Review status: criteria provided, single submitter. Criteria: ACMG Guidelines, 2015. Collection method: clinical testing. Allele origin: germline.

NM_001103.4(ACTN2):c.556C>G (p.Leu186Val)

Gene: ACTN2 (actinin alpha 2; plus strand). Cytogenetic location: 1q43.
Variant type: single nucleotide variant.
Coding change: c.556C>G on transcript NM_001103.4 (MANE Select); coding-DNA position 556, C replaced by G.
Protein change: p.Leu186Val; replaces leucine 186 with valine.
Molecular consequence: missense variant. On other transcripts: 5 prime UTR variant (1).
Genome position (GRCh38, 1-based): chr1:236,727,697, C>G. VCF-style: chr1-236727697-C-G. GRCh37 (hg19) VCF-style: chr1-236890997-C-G.
Other names: c.556C>G, p.Leu186Val (NM_001278343.2); c.-266C>G (NM_001278344.2); short protein forms L186V.
Identifiers: ClinVar variation 463212 (VCV000463212.24), dbSNP rs371930065, ClinGen allele CA1472835.